The following is an entry in ClinVar:

ClinVar aggregate classification (germline): Benign. Review status: criteria provided, multiple submitters, no conflicts (2 of 4 stars). 8 submissions from 8 submitters: Benign (6). 2 of the submissions do not count toward it. Last evaluated 2026-02-04.

Conditions:
Congenital adrenal hyperplasia due to cytochrome P450 oxidoreductase deficiency. Also called: DISORDERED STEROIDOGENESIS DUE TO POR DEFICIENCY. Identifiers: Orphanet 95699, MedGen C1860042, MONDO:0013310, OMIM 613571.
21-Hydroxylase-Deficient Congenital Adrenal Hyperplasia. Also called: ADRENAL HYPERPLASIA III; ADRENAL HYPERPLASIA, CONGENITAL, DUE TO 21-HYDROXYLASE DEFICIENCY. Identifiers: MedGen C2936858, OMIM 201910.

Allele frequency attached by ClinVar (database versions not stated): ESP Exome Variant Server 0.26278; gnomAD 0.27178 and 0.27518; TOPMed 0.28518; 1000 Genomes Project 30x 0.29841; 1000 Genomes Project 0.29952; gnomAD exomes 0.30016 and 0.30857; ExAC 0.30526.
gnomAD v4.1: 469,022 of 1,572,946 alleles (30%); highest among the groups gnomAD compares: East Asian, 41%; 71,928 homozygotes.

Submissions (8):

Labcorp Genetics (formerly Invitae), Labcorp
Classification: Benign for Congenital adrenal hyperplasia due to cytochrome P450 oxidoreductase deficiency. Last evaluated: 2026-02-04. Review status: criteria provided, single submitter. Criteria: Invitae Variant Classification Sherloc (09022015). Collection method: clinical testing. Allele origin: germline.

Blueprint Genetics
Classification: Benign. Last evaluated: 2024-11-27. Review status: criteria provided, single submitter. Criteria: ACMG Guidelines, 2015. Collection method: clinical testing. Allele origin: germline.

GeneDx
Classification: Benign. Last evaluated: 2015-03-03. Review status: criteria provided, single submitter. Criteria: GeneDx Variant Classification Process June 2021. Collection method: clinical testing. Allele origin: germline. Affected: yes.

Breakthrough Genomics
Classification: Benign. Review status: criteria provided, single submitter. Criteria: ACMG Guidelines, 2015. Collection method: not provided. Allele origin: germline. Inheritance: Autosomal recessive inheritance. Affected: yes.

Pecori Giraldi Lab, University of Milan
Classification: Benign for 21-Hydroxylase-Deficient Congenital Adrenal Hyperplasia. Review status: criteria provided, single submitter. Criteria: ACMG Guidelines, 2015. Collection method: case-control. Allele origin: germline. Affected: yes and no.
Comment: This variant is intronic

PreventionGenetics, part of Exact Sciences
Classification: Benign. Review status: criteria provided, single submitter. Criteria: ACMG Guidelines, 2015. Collection method: clinical testing. Allele origin: germline.

Diagnostic Laboratory, Department of Genetics, University Medical Center Groningen
Classification: Benign. Review status: no assertion criteria provided. Collection method: clinical testing. Allele origin: germline. Affected: yes. Study: VKGL Data-share Consensus. Not counted in ClinVar's aggregate classification.

Joint Genome Diagnostic Labs from Nijmegen and Maastricht, Radboudumc and MUMC+
Classification: Benign. Review status: no assertion criteria provided. Collection method: clinical testing. Allele origin: germline. Affected: yes. Study: VKGL Data-share Consensus. Not counted in ClinVar's aggregate classification.

Literature cited by the submitters: PubMed 33666875 (cited by Pecori Giraldi Lab, University of Milan); PubMed 27068427 (cited by Pecori Giraldi Lab, University of Milan); PubMed 21070833 (cited by Pecori Giraldi Lab, University of Milan); PubMed 24847272 (cited by Pecori Giraldi Lab, University of Milan).

NM_001395413.1(POR):c.1239+20G>A

Gene: POR (cytochrome p450 oxidoreductase; plus strand). Cytogenetic location: 7q11.23.
Variant type: single nucleotide variant.
Coding change: c.1239+20G>A on transcript NM_001395413.1 (MANE Select); 20 bases into the intron after coding-DNA position 1239, G replaced by A.
Molecular consequence: intron variant.
Genome position (GRCh38, 1-based): chr7:75,984,978, G>A. VCF-style: chr7-75984978-G-A. GRCh37 (hg19) VCF-style: chr7-75614296-G-A.
Other names: c.1239+20G>A (NM_001382662.3, NM_001382659.3, NM_001367562.3 and 2 more transcripts); c.1293+20G>A (NM_001382655.3).
Identifiers: ClinVar variation 256839 (VCV000256839.18), dbSNP rs2286823, ClinGen allele CA4304049.